The following is an entry in ClinVar:

NM_024334.3(TMEM43):c.89G>A (p.Ser30Asn)

Gene: TMEM43 (transmembrane protein 43; plus strand). Cytogenetic location: 3p25.1.
Variant type: single nucleotide variant.
Coding change: c.89G>A on transcript NM_024334.3 (MANE Select); coding-DNA position 89, G replaced by A.
Protein change: p.Ser30Asn; replaces serine 30 with asparagine.
Molecular consequence: missense variant.
Genome position (GRCh38, 1-based): chr3:14,129,488, G>A. VCF-style: chr3-14129488-G-A. GRCh37 (hg19) VCF-style: chr3-14170988-G-A.
Other names: short protein forms S30N.
Identifiers: ClinVar variation 343500 (VCV000343500.23), dbSNP rs570799464, ClinGen allele CA056198.

ClinVar aggregate classification (germline): Benign/Likely benign. Review status: criteria provided, multiple submitters, no conflicts (2 of 4 stars). 7 submissions from 7 submitters: Benign (1); Likely benign (5). 1 of the submissions does not count toward it. Last evaluated 2026-01-19.

Conditions:
Arrhythmogenic right ventricular dysplasia 5. Also called: Arrhythmogenic Right Ventricular Dysplasia/Cardiomyopathy 5; ARRHYTHMOGENIC RIGHT VENTRICULAR DYSPLASIA, FAMILIAL, 5. Identifiers: MedGen C1858379, MONDO:0011459, OMIM 604400.
TMEM43-related disorder. Also called: TMEM43-related condition.
Cardiomyopathy (CMYO). Also called: Cardiomyopathies. Identifiers: Orphanet 167848, MedGen C0878544, MONDO:0004994, HP:0001638. Inheritance: Various modes of inheritance.
Cardiovascular phenotype. Identifiers: MedGen CN230736.

Allele frequency attached by ClinVar (database versions not stated): gnomAD below 0.00001 and 0.00006; TOPMed below 0.00001; gnomAD exomes 0.00020 and 0.00043; ExAC 0.00054; 1000 Genomes Project 0.00140; 1000 Genomes Project 30x 0.00172.
gnomAD v4.1: 296 of 1,614,132 alleles (0.018%); highest among the groups gnomAD compares: South Asian, 0.32%; 6 homozygotes.

Submissions (7):

Labcorp Genetics (formerly Invitae), Labcorp
Classification: Benign for Arrhythmogenic right ventricular dysplasia 5. Last evaluated: 2026-01-19. Review status: criteria provided, single submitter. Criteria: Invitae Variant Classification Sherloc (09022015). Collection method: clinical testing. Allele origin: germline.

All of Us Research Program, National Institutes of Health
Classification: Likely benign for Arrhythmogenic right ventricular dysplasia 5. Last evaluated: 2023-02-24. Review status: criteria provided, single submitter. Criteria: ACMG Guidelines, 2015. Collection method: clinical testing. Allele origin: germline. Inheritance: Autosomal dominant inheritance. Observed: 1 variant allele, 1 heterozygote.
Comment: This study involves interpretation of variants in research participants for the purpose of population health screening. Participant phenotype was not available at the time of variant classification. Additional details can be found in publication PMID: 35346344, PMCID: PMC8962531

Ambry Genetics
Classification: Likely benign for Cardiovascular phenotype. Last evaluated: 2021-11-28. Review status: criteria provided, single submitter. Criteria: Ambry Variant Classification Scheme 2023. Collection method: clinical testing. Allele origin: germline.

Blueprint Genetics
Classification: Likely benign. Last evaluated: 2021-10-06. Review status: criteria provided, single submitter. Criteria: ACMG Guidelines, 2015. Collection method: clinical testing. Allele origin: germline.

Color Diagnostics, LLC DBA Color Health
Classification: Likely benign for Cardiomyopathy. Last evaluated: 2018-12-02. Review status: criteria provided, single submitter. Criteria: ACMG Guidelines, 2015. Collection method: clinical testing. Allele origin: germline.

GeneDx
Classification: Likely benign. Last evaluated: 2018-07-10. Review status: criteria provided, single submitter. Criteria: GeneDx Variant Classification Process June 2021. Collection method: clinical testing. Allele origin: germline. Affected: yes.

PreventionGenetics, part of Exact Sciences
Classification: Likely benign for TMEM43-related condition. Last evaluated: 2021-02-01. Review status: no assertion criteria provided. Collection method: clinical testing. Allele origin: germline. Not counted in ClinVar's aggregate classification.
Comment: This variant is classified as likely benign based on ACMG/AMP sequence variant interpretation guidelines (Richards et al. 2015 PMID: 25741868, with internal and published modifications).